The following is an entry in ClinVar:

ClinVar aggregate classification (germline): Uncertain significance (1 of 4 stars; one submission).

Submission:

Labcorp Genetics (formerly Invitae), Labcorp
Classification: Uncertain significance. Last evaluated: 2024-03-02. Review status: criteria provided, single submitter. Criteria: Invitae Variant Classification Sherloc (09022015). Collection method: clinical testing. Allele origin: germline.
Comment: This sequence change replaces proline, which is neutral and non-polar, with alanine, which is neutral and non-polar, at codon 170 of the C3 protein (p.Pro170Ala). This variant is not present in population databases (gnomAD no frequency). This variant has not been reported in the literature in individuals affected with C3-related conditions. Advanced modeling of protein sequence and biophysical properties (such as structural, functional, and spatial information, amino acid conservation, physicochemical variation, residue mobility, and thermodynamic stability) performed at Invitae indicates that this missense variant is not expected to disrupt C3 protein function with a negative predictive value of 80%. In summary, the available evidence is currently insufficient to determine the role of this variant in disease. Therefore, it has been classified as a Variant of Uncertain Significance.

NM_000064.4(C3):c.508C>G (p.Pro170Ala)

Gene: C3 (complement C3; minus strand). Cytogenetic location: 19p13.3.
Variant type: single nucleotide variant.
Coding change: c.508C>G on transcript NM_000064.4 (MANE Select); coding-DNA position 508, C replaced by G.
Protein change: p.Pro170Ala; replaces proline 170 with alanine.
Molecular consequence: missense variant.
Genome position (GRCh38, 1-based): chr19:6,714,443, G>C on the plus strand (C>G on the coding strand, the complement: C3 is on the minus strand). VCF-style: chr19-6714443-G-C. GRCh37 (hg19) VCF-style: chr19-6714454-G-C.
Other names: short protein forms P170A.
Identifiers: ClinVar variation 3616142 (VCV003616142.2).
Genomic context (GRCh38, chr19:6,714,443, plus strand): 5'-GCAAGACGCCAAGCTGGTTCTGAGAAGACAAGGAGTCCTGCTTGACCGGGATGCCTTCCG[G>C]GTTCTGTGGGAGGCAGGAGGGAAGGATAGAGGATAAAGTGGCTCTTCGGAGGCTGGGCTT-3'
Protein context (NP_000055.2, residues 160-180): GRTVMVNIEN[Pro170Ala]EGIPVKQDSL